The following is an entry in ClinVar:

ClinVar aggregate classification (germline): Uncertain significance (1 of 4 stars; one submission).

Conditions:
Intellectual developmental disorder, autosomal recessive 57. Also called: Intellectual disability, autosomal recessive 57. Identifiers: MedGen C4310673, MONDO:0014962, OMIM 617188.

Submission:

Baylor Genetics
Classification: Uncertain significance for Intellectual developmental disorder, autosomal recessive 57. Last evaluated: 2019-07-31. Review status: criteria provided, single submitter. Criteria: ACMG Guidelines, 2015. Collection method: clinical testing. Allele origin: unknown. Affected: yes.
Comment: This variant was determined to be of uncertain significance according to ACMG Guidelines, 2015 [PMID:25741868].

NM_024298.5(MBOAT7):c.849C>G (p.Pro283=)

Gene: MBOAT7 (membrane bound acylglycerophosphatidylinositol O-acyltransferase MBOAT7; minus strand). Cytogenetic location: 19q13.42.
Variant type: single nucleotide variant.
Coding change: c.849C>G on transcript NM_024298.5 (MANE Select); coding-DNA position 849, C replaced by G.
Protein change: p.Pro283=; no amino-acid change (proline 283 retained).
Molecular consequence: synonymous variant.
Genome position (GRCh38, 1-based): chr19:54,180,778, G>C on the plus strand (C>G on the coding strand, the complement: MBOAT7 is on the minus strand). VCF-style: chr19-54180778-G-C. GRCh37 (hg19) VCF-style: chr19-54684495-G-C.
Other names: c.630C>G, p.Pro210= (NM_001146056.3, NM_001146083.3); c.849C>G, p.Pro283= (NM_001146082.3).
Identifiers: ClinVar variation 1028298 (VCV001028298.1), dbSNP rs767593470, ClinGen allele CA309346580.